The following is an entry in ClinVar:

NM_001042492.3(NF1):c.1642-1G>T

Gene: NF1 (neurofibromin 1; plus strand). Cytogenetic location: 17q11.2.
Variant type: single nucleotide variant.
Coding change: c.1642-1G>T on transcript NM_001042492.3 (MANE Select); the canonical splice acceptor site of the intron before coding-DNA position 1642, G replaced by T.
Molecular consequence: splice acceptor variant.
Genome position (GRCh38, 1-based): chr17:31,221,849, G>T. VCF-style: chr17-31221849-G-T. GRCh37 (hg19) VCF-style: chr17-29548867-G-T.
Other names: c.1642-1G>T (NM_000267.4, NM_001128147.3).
Identifiers: ClinVar variation 453127 (VCV000453127.2), dbSNP rs1555613185, ClinGen allele CA399002210.

ClinVar aggregate classification (germline): Pathogenic (1 of 4 stars; one submission).

Submission:

GeneDx
Classification: Pathogenic. Last evaluated: 2017-11-01. Review status: criteria provided, single submitter. Criteria: GeneDx Variant Classification (06012015). Collection method: clinical testing. Allele origin: germline. Affected: yes.
Comment: The c.1642-1G>T variant in the NF1 gene has not been reported previously as a pathogenic variant nor as a benign variant, to our knowledge. This splice site variant destroys the canonical splice acceptor site in intron 14. It is predicted to cause abnormal gene splicing, either leading to an abnormal message that is subject to nonsense-mediated mRNA decay, or to an abnormal protein product if the message is used for protein translation. The c.1642-1G>T variant is not observed in large population cohorts (Lek et al., 2016). Other variants affecting the same canonical splice acceptor site (c.1642-1G>A, c.1642-1G>C, c.1642-2A>G) have been reported in the Human Gene Mutation Database in association with neurofibromatosis 1 (Stenson et al., 2014; Xu et al., 2014; Sabbagh et al., 2013), supporting the functional importance of this splice acceptor site. We interpret c.1642-1G>T as a pathogenic variant.